The following is an entry in ClinVar:

ClinVar aggregate classification (germline): Uncertain significance. Review status: criteria provided, multiple submitters, no conflicts (2 of 4 stars). 3 submissions from 3 submitters: Uncertain significance (3). Last evaluated 2025-12-21.

Conditions:
Familial thoracic aortic aneurysm and aortic dissection (TAAD). Also called: Thoracic aortic aneurysms and dissections. Identifiers: Orphanet 91387, MedGen C4707243, MONDO:0019625.
Ehlers-Danlos syndrome, classic type, 1 (EDSCL1). Also called: EHLERS-DANLOS SYNDROME, GRAVIS TYPE; EHLERS-DANLOS SYNDROME, SEVERE CLASSIC TYPE; Ehlers-Danlos syndrome, type 1; Ehlers-Danlos Syndrome, Classic Type, COL5A1-Related; EDS I. Identifiers: MedGen C0268335, MONDO:0019567, OMIM 130000.
COL5A1-related disorder. Also called: COL5A1-related condition.

Submissions (3):

Ambry Genetics
Classification: Uncertain significance for Familial thoracic aortic aneurysm and aortic dissection. Last evaluated: 2025-12-21. Review status: criteria provided, single submitter. Criteria: Ambry Variant Classification Scheme 2023. Collection method: clinical testing. Allele origin: germline.
Comment: The p.Y236C variant (also known as c.707A>G), located in coding exon 5 of the COL5A1 gene, results from an A to G substitution at nucleotide position 707. The tyrosine at codon 236 is replaced by cysteine, an amino acid with highly dissimilar properties. This amino acid position is conserved. In addition, the in silico prediction for this alteration is inconclusive. Based on the available evidence, the clinical significance of this variant remains unclear.

PreventionGenetics, part of Exact Sciences
Classification: Uncertain significance for COL5A1-related condition. Last evaluated: 2022-08-30. Review status: criteria provided, single submitter. Criteria: ACMG Guidelines, 2015. Collection method: clinical testing. Allele origin: germline.
Comment: The COL5A1 c.707A>G variant is predicted to result in the amino acid substitution p.Tyr236Cys. To our knowledge, this variant has not been reported in the literature or in a large population database, indicating this variant is rare. At this time, the clinical significance of this variant is uncertain due to the absence of conclusive functional and genetic evidence.

Labcorp Genetics (formerly Invitae), Labcorp
Classification: Uncertain significance for Ehlers-Danlos syndrome, classic type, 1. Last evaluated: 2022-03-12. Review status: criteria provided, single submitter. Criteria: Invitae Variant Classification Sherloc (09022015). Collection method: clinical testing. Allele origin: germline.
Comment: Advanced modeling of protein sequence and biophysical properties (such as structural, functional, and spatial information, amino acid conservation, physicochemical variation, residue mobility, and thermodynamic stability) performed at Invitae indicates that this missense variant is not expected to disrupt COL5A1 protein function. In summary, the available evidence is currently insufficient to determine the role of this variant in disease. Therefore, it has been classified as a Variant of Uncertain Significance. This sequence change replaces tyrosine, which is neutral and polar, with cysteine, which is neutral and slightly polar, at codon 236 of the COL5A1 protein (p.Tyr236Cys). This variant is not present in population databases (gnomAD no frequency). This variant has not been reported in the literature in individuals affected with COL5A1-related conditions.

NM_000093.5(COL5A1):c.707A>G (p.Tyr236Cys)

Gene: COL5A1 (collagen type V alpha 1 chain; plus strand). Cytogenetic location: 9q34.3.
Variant type: single nucleotide variant.
Coding change: c.707A>G on transcript NM_000093.5 (MANE Select); coding-DNA position 707, A replaced by G.
Protein change: p.Tyr236Cys; replaces tyrosine 236 with cysteine.
Molecular consequence: missense variant.
Genome position (GRCh38, 1-based): chr9:134,727,318, A>G. VCF-style: chr9-134727318-A-G. GRCh37 (hg19) VCF-style: chr9-137619164-A-G.
Other names: c.707A>G, p.Tyr236Cys (NM_001278074.1); c.707A>G (NM_000093.4, NM_000093.3); short protein forms Y236C.
Identifiers: ClinVar variation 1516028 (VCV001516028.8), dbSNP rs2132632715, ClinGen allele CA375446287.